The following is an entry in ClinVar:

NM_015359.6(SLC39A14):c.458-1G>T

Gene: SLC39A14 (solute carrier family 39 member 14; plus strand). Cytogenetic location: 8p21.3.
Variant type: single nucleotide variant.
Coding change: c.458-1G>T on transcript NM_015359.6 (MANE Plus Clinical); the canonical splice acceptor site of the intron before coding-DNA position 458, G replaced by T.
Molecular consequence: splice acceptor variant. On other transcripts: intron variant (9).
Genome position (GRCh38, 1-based): chr8:22,409,945, G>T. VCF-style: chr8-22409945-G-T. GRCh37 (hg19) VCF-style: chr8-22267458-G-T.
Other names: c.457+1449G>T (NM_001135154.3, NM_001351656.2, NM_001351655.2 and 3 more transcripts); c.487+1449G>T (NM_001351657.2, NM_001351658.2, NM_001351659.2).
Identifiers: ClinVar variation 2094818 (VCV002094818.4), dbSNP rs1835470358, ClinGen allele CA370525623.

ClinVar aggregate classification (germline): Uncertain significance (1 of 4 stars; one submission).

Submission:

Labcorp Genetics (formerly Invitae), Labcorp
Classification: Uncertain significance. Last evaluated: 2023-05-23. Review status: criteria provided, single submitter. Criteria: Invitae Variant Classification Sherloc (09022015). Collection method: clinical testing. Allele origin: germline.
Comment: In summary, the available evidence is currently insufficient to determine the role of this variant in disease. Therefore, it has been classified as a Variant of Uncertain Significance. Algorithms developed to predict the effect of sequence changes on RNA splicing suggest that this variant may disrupt the consensus splice site. ClinVar contains an entry for this variant (Variation ID: 2094818). This variant has not been reported in the literature in individuals affected with SLC39A14-related conditions. This variant is not present in population databases (gnomAD no frequency). This sequence change affects an acceptor splice site in intron 3 of the SLC39A14 gene. It is expected to disrupt RNA splicing. Variants that disrupt the donor or acceptor splice site typically lead to a loss of protein function (PMID: 16199547), however, it is currently unclear if variants that occur in this region of the gene cause disease. The SLC39A14 gene has multiple clinically relevant transcripts. This variant occurs in alternate transcript NM_015359.5, and corresponds to NM_001128431.2: c.457+1449G>T in the primary transcript.

Literature cited by the submitters: PubMed 16199547.